The following is an entry in ClinVar:

NC_000011.9:g.(17453792_17464266)_(17464860_17470062)del

Gene: ABCC8 (ATP binding cassette subfamily C member 8; minus strand). Cytogenetic location: 11p15.1.
Variant type: Deletion.
Identifiers: ClinVar variation 3233511 (VCV003233511.2).

ClinVar aggregate classification (germline): Pathogenic (1 of 4 stars; one submission).

Conditions:
Familial hyperinsulinism. Also called: Congenital hyperinsulinism. Identifiers: Orphanet 276525, MedGen C3888018, MONDO:0017182. Disease mechanism: loss of function.

Submission:

Women's Health and Genetics/Laboratory Corporation of America, LabCorp
Classification: Pathogenic for Familial hyperinsulinism. Last evaluated: 2024-03-11. Review status: criteria provided, single submitter. Criteria: LabCorp Variant Classification Summary - May 2015. Collection method: clinical testing. Allele origin: germline.
Comment: Variant summary: The variant involves the deletion of exons 9-10 in the ABCC8 gene. A presumed nomenclature of c.(1332+1_1333-1)_(1630+1_1631-1)del has been designated for the purposes of this classification. This Copy Number Variant (CNV) is expected to alter the reading frame and predicted to result in a truncation or absence of the encoded protein due to nonsense mediated decay (NMD). The variant was absent in 21666 control chromosomes (gnomAD, structural variants dataset). A similar deletion of exons 9-10 (described as c.1332+4438_1631-9207del) has been reported in the literature in the homozygous state in one individual affected with hyperinsulinism of infancy (e.g. Fernandez-Marmiesse_2006). To our knowledge, no experimental evidence demonstrating an impact on protein function has been reported. The following publication has been ascertained in the context of this evaluation (PMID: 16429405). ClinVar contains an entry for this variant (Variation ID: 2422958). Based on the evidence outlined above, the variant was classified as pathogenic.

Literature cited by the submitters: PubMed 16429405.